The following is an entry in ClinVar:

NM_006245.4(PPP2R5D):c.90C>T (p.Gly30=)

Gene: PPP2R5D (protein phosphatase 2 regulatory subunit B'delta; plus strand). Cytogenetic location: 6p21.1.
Variant type: single nucleotide variant.
Coding change: c.90C>T on transcript NM_006245.4 (MANE Select); coding-DNA position 90, C replaced by T.
Protein change: p.Gly30=; no amino-acid change (glycine 30 retained).
Molecular consequence: synonymous variant. On other transcripts: 5 prime UTR variant (1), intron variant (1).
Genome position (GRCh38, 1-based): chr6:42,989,673, C>T. VCF-style: chr6-42989673-C-T. GRCh37 (hg19) VCF-style: chr6-42957411-C-T.
Other names: c.-381C>T (NM_001270476.2); c.90C>T, p.Gly30= (NM_180976.3); c.27+4969C>T (NM_180977.3).
Identifiers: ClinVar variation 5007930 (VCV005007930.1).
Genomic context (GRCh38, chr6:42,989,673, plus strand): 5'-GCCCCCCAAGGTTGCCAAATGCACAGCCAAGCCTAGCAGCTCGGGCAAGGATGGTGGAGG[C>T]GAGAACACTGAGGAGGTAATGAATGTAGGCGTAGCCTTAGATGTGGTGCAGGTGCCACCC-3'
Protein context (NP_006236.1, residues 20-40): KPSSSGKDGG[Gly30=]ENTEEAQPQP

ClinVar aggregate classification (germline): Uncertain significance (1 of 4 stars; one submission).

gnomAD v4.1: 1 of 1,613,658 alleles (0.000062%); highest among the groups gnomAD compares: Non-Finnish European, 0.000085%; no homozygotes.

Submission:

GeneDx
Classification: Uncertain significance. Last evaluated: 2026-02-26. Review status: criteria provided, single submitter. Criteria: GeneDx Variant Classification Process June 2021. Collection method: clinical testing. Allele origin: germline.
Comment: Not observed at significant frequency in large population cohorts (gnomAD); In silico analysis supports a deleterious effect on splicing; Has not been previously published as pathogenic or benign to our knowledge